The following is an entry in ClinVar:

ClinVar aggregate classification (germline): Benign (1 of 4 stars; one submission).

Allele frequency attached by ClinVar (database versions not stated): gnomAD 0.08449 and 0.08739; 1000 Genomes Project 30x 0.08542; TOPMed 0.08635; 1000 Genomes Project 0.08806.
gnomAD v4.1: 13,334 of 152,244 alleles (8.8%); highest among the groups gnomAD compares: South Asian, 17%; 731 homozygotes.

Submission:

GeneDx
Classification: Benign. Last evaluated: 2018-06-14. Review status: criteria provided, single submitter. Criteria: GeneDx Variant Classification (06012015). Collection method: clinical testing. Allele origin: germline. Affected: yes.
Comment: This variant is considered likely benign or benign based on one or more of the following criteria: it is a conservative change, it occurs at a poorly conserved position in the protein, it is predicted to be benign by multiple in silico algorithms, and/or has population frequency not consistent with disease.

NM_000501.4(ELN):c.2087-257G>A

Gene: ELN (elastin; plus strand). Cytogenetic location: 7q11.23.
Variant type: single nucleotide variant.
Coding change: c.2087-257G>A on transcript NM_000501.4 (MANE Select); 257 bases into the intron before coding-DNA position 2087, G replaced by A.
Molecular consequence: intron variant.
Genome position (GRCh38, 1-based): chr7:74,066,475, G>A. VCF-style: chr7-74066475-G-A. GRCh37 (hg19) VCF-style: chr7-73480805-G-A.
Other names: c.2048-257G>A (NM_001081754.3); c.1991-257G>A (NM_001081753.3); c.2273-257G>A (NM_001278939.2); c.2105-257G>A (NM_001278915.2); c.2033-257G>A (NM_001278912.2); c.2030-257G>A (NM_001081755.3); c.1889-257G>A (NM_001278916.2); c.1844-257G>A (NM_001278913.2); and 4 more.
Identifiers: ClinVar variation 683865 (VCV000683865.1), dbSNP rs2528794, ClinGen allele CA12512148.